The following is an entry in ClinVar:

NM_001286.5(CLCN6):c.2018A>C (p.Lys673Thr)

Gene: CLCN6 (chloride voltage-gated channel 6; plus strand). Cytogenetic location: 1p36.22.
Variant type: single nucleotide variant.
Coding change: c.2018A>C on transcript NM_001286.5 (MANE Select); coding-DNA position 2018, A replaced by C.
Protein change: p.Lys673Thr; replaces lysine 673 with threonine.
Molecular consequence: missense variant. On other transcripts: non-coding transcript variant (1).
Genome position (GRCh38, 1-based): chr1:11,837,036, A>C. VCF-style: chr1-11837036-A-C. GRCh37 (hg19) VCF-style: chr1-11897093-A-C.
Other names: c.1952A>C, p.Lys651Thr (NM_001256959.2); short protein forms K651T, K673T.
Identifiers: ClinVar variation 1917271 (VCV001917271.5), dbSNP rs762344951, ClinGen allele CA596695.

ClinVar aggregate classification (germline): Uncertain significance (1 of 4 stars; one submission).

Submission:

Labcorp Genetics (formerly Invitae), Labcorp
Classification: Uncertain significance. Last evaluated: 2023-08-14. Review status: criteria provided, single submitter. Criteria: Invitae Variant Classification Sherloc (09022015). Collection method: clinical testing. Allele origin: germline.
Comment: This variant is present in population databases (rs762344951, gnomAD 0.0009%). This sequence change replaces lysine, which is basic and polar, with threonine, which is neutral and polar, at codon 673 of the CLCN6 protein (p.Lys673Thr). This variant has not been reported in the literature in individuals affected with CLCN6-related conditions. In summary, the available evidence is currently insufficient to determine the role of this variant in disease. Therefore, it has been classified as a Variant of Uncertain Significance. An algorithm developed to predict the effect of missense changes on protein structure and function (PolyPhen-2) suggests that this variant is likely to be tolerated. ClinVar contains an entry for this variant (Variation ID: 1917271).